The following is an entry in ClinVar:

NM_014141.6(CNTNAP2):c.475G>A (p.Val159Met)

Gene: CNTNAP2 (contactin associated protein 2; plus strand). Cytogenetic location: 7q35.
Variant type: single nucleotide variant.
Coding change: c.475G>A on transcript NM_014141.6 (MANE Select); coding-DNA position 475, G replaced by A.
Protein change: p.Val159Met; replaces valine 159 with methionine.
Molecular consequence: missense variant.
Genome position (GRCh38, 1-based): chr7:147,043,979, G>A. VCF-style: chr7-147043979-G-A. GRCh37 (hg19) VCF-style: chr7-146741071-G-A.
Other names: short protein forms V159M.
Identifiers: ClinVar variation 2172847 (VCV002172847.4), dbSNP rs776537172, ClinGen allele CA369923537.

ClinVar aggregate classification (germline): Uncertain significance (1 of 4 stars; one submission).

Conditions:
Cortical dysplasia-focal epilepsy syndrome (PTHSL1). Also called: Pitt-Hopkins-like syndrome 1. Identifiers: Orphanet 163681, Orphanet 221150, MedGen C2750246, MONDO:0012400, OMIM 610042.

Submission:

Labcorp Genetics (formerly Invitae), Labcorp
Classification: Uncertain significance for Cortical dysplasia-focal epilepsy syndrome. Last evaluated: 2022-04-04. Review status: criteria provided, single submitter. Criteria: Invitae Variant Classification Sherloc (09022015). Collection method: clinical testing. Allele origin: germline.
Comment: In summary, the available evidence is currently insufficient to determine the role of this variant in disease. Therefore, it has been classified as a Variant of Uncertain Significance. Algorithms developed to predict the effect of missense changes on protein structure and function are either unavailable or do not agree on the potential impact of this missense change (SIFT: "Deleterious"; PolyPhen-2: "Benign"; Align-GVGD: "Class C0"). This variant has not been reported in the literature in individuals affected with CNTNAP2-related conditions. This variant is present in population databases (no rsID available, gnomAD 0.0009%). This sequence change replaces valine, which is neutral and non-polar, with methionine, which is neutral and non-polar, at codon 159 of the CNTNAP2 protein (p.Val159Met).